The following is an entry in ClinVar:

NM_015662.3(IFT172):c.1086C>T (p.Ile362=)

Gene: IFT172 (intraflagellar transport 172; minus strand). Cytogenetic location: 2p23.3.
Variant type: single nucleotide variant.
Coding change: c.1086C>T on transcript NM_015662.3 (MANE Select); coding-DNA position 1086, C replaced by T.
Protein change: p.Ile362=; no amino-acid change (isoleucine 362 retained).
Molecular consequence: synonymous variant.
Genome position (GRCh38, 1-based): chr2:27,478,076, G>A on the plus strand (C>T on the coding strand, the complement: IFT172 is on the minus strand). VCF-style: chr2-27478076-G-A. GRCh37 (hg19) VCF-style: chr2-27700943-G-A.
Other names: c.1086C>T, p.Ile362= (NM_001410739.1).
Identifiers: ClinVar variation 3349709 (VCV003349709.1).
Genomic context (GRCh38, chr2:27,478,076, plus strand): 5'-CAGGTCCCCCAGCAGCAGTGTTTCTGATGTGTGAGCCACCAAGTAACGTTCCTTTCCTAG[G>A]ATTTTCACCTCTTCCACCTCATAGCCATAGTGTGACTTGAGCACCACTCGGGTTCCTGAT-3'
Protein context (NP_056477.1, residues 352-372): HYGYEVEEVK[Ile362=]LGKERYLVAH

ClinVar aggregate classification (germline): Likely benign (0 of 4 stars; one submission).

Conditions:
IFT172-related disorder. Also called: IFT172-related disorders; IFT172-related condition.

Submission:

PreventionGenetics, part of Exact Sciences
Classification: Likely benign for IFT172-related condition. Last evaluated: 2023-09-30. Review status: no assertion criteria provided. Collection method: clinical testing. Allele origin: germline.
Comment: This variant is classified as likely benign based on ACMG/AMP sequence variant interpretation guidelines (Richards et al. 2015 PMID: 25741868, with internal and published modifications).